The following is an entry in ClinVar:

ClinVar aggregate classification (germline): Likely benign (0 of 4 stars; one submission).

Conditions:
SPOP-related disorder. Also called: SPOP-related condition.

Allele frequency attached by ClinVar (database versions not stated): 1000 Genomes Project 30x 0.00031; ESP Exome Variant Server 0.00038; 1000 Genomes Project 0.00040; gnomAD 0.00051.
gnomAD v4.1: 997 of 1,614,098 alleles (0.062%); highest among the groups gnomAD compares: Non-Finnish European, 0.077%; 1 homozygote.

Submission:

PreventionGenetics, part of Exact Sciences
Classification: Likely benign for SPOP-related condition. Last evaluated: 2022-08-11. Review status: no assertion criteria provided. Collection method: clinical testing. Allele origin: germline.
Comment: This variant is classified as likely benign based on ACMG/AMP sequence variant interpretation guidelines (Richards et al. 2015 PMID: 25741868, with internal and published modifications).

NM_001007228.2(SPOP):c.42G>A (p.Ser14=)

Gene: SPOP (speckle type BTB/POZ protein; minus strand). Cytogenetic location: 17q21.33.
Variant type: single nucleotide variant.
Coding change: c.42G>A on transcript NM_001007228.2 (MANE Select); coding-DNA position 42, G replaced by A.
Protein change: p.Ser14=; no amino-acid change (serine 14 retained).
Molecular consequence: synonymous variant.
Genome position (GRCh38, 1-based): chr17:49,622,769, C>T on the plus strand (G>A on the coding strand, the complement: SPOP is on the minus strand). VCF-style: chr17-49622769-C-T. GRCh37 (hg19) VCF-style: chr17-47700131-C-T.
Other names: c.42G>A, p.Ser14= (NM_001007226.1, NM_001007227.1, NM_001007229.1 and 5 more transcripts).
Identifiers: ClinVar variation 3045692 (VCV003045692.2), dbSNP rs150193528, ClinGen allele CA8639155.